The following is an entry in ClinVar:

NM_174905.4(TSLIG3C):c.65+3A>G

Gene: TSLIG3C (tRNA splicing ligase complex subunit 3C; plus strand). Cytogenetic location: 19q13.2.
Variant type: single nucleotide variant.
Coding change: c.65+3A>G on transcript NM_174905.4 (MANE Select); 3 bases into the intron after coding-DNA position 65, A replaced by G.
Molecular consequence: intron variant.
Genome position (GRCh38, 1-based): chr19:38,403,221, A>G. VCF-style: chr19-38403221-A-G. GRCh37 (hg19) VCF-style: chr19-38893861-A-G.
Other names: c.65+3A>G (NM_001351675.1).
Identifiers: ClinVar variation 3040624 (VCV003040624.2), dbSNP rs375145477, ClinGen allele CA9414785.
Genomic context (GRCh38, chr19:38,403,221, plus strand): 5'-CGGTGAAGGCGGAAGCGTGGGAGGGGGCCGCGGTGGCCCAGGACCTGCTGGCTCTGGGGT[A>G]AAAGGGTGTGCGGTGAGGCTGGTGGGTGCAGGAAGGCCAGGTCTGCCCCCTGGACGCGGA-3'

ClinVar aggregate classification (germline): Likely benign (0 of 4 stars; one submission).

Conditions:
FAM98C-related disorder. Also called: FAM98C-related condition.

Allele frequency attached by ClinVar (database versions not stated): gnomAD exomes 0.00013; ExAC 0.00061; ESP Exome Variant Server 0.00135; TOPMed 0.00152; 1000 Genomes Project 30x 0.00156; 1000 Genomes Project 0.00160; gnomAD 0.00179.
gnomAD v4.1: 481 of 1,558,560 alleles (0.031%); highest among the groups gnomAD compares: African/African-American, 0.56%; 1 homozygote.

Submission:

PreventionGenetics, part of Exact Sciences
Classification: Likely benign for FAM98C-related condition. Last evaluated: 2019-10-28. Review status: no assertion criteria provided. Collection method: clinical testing. Allele origin: germline.
Comment: This variant is classified as likely benign based on ACMG/AMP sequence variant interpretation guidelines (Richards et al. 2015 PMID: 25741868, with internal and published modifications).